The following is an entry in ClinVar:

ClinVar aggregate classification (germline): Pathogenic/Likely pathogenic. Review status: criteria provided, multiple submitters, no conflicts (2 of 4 stars). 5 submissions from 5 submitters: Pathogenic (4); Likely pathogenic (1). Last evaluated 2025-04-04.

Conditions:
Hereditary cancer-predisposing syndrome. Also called: Hereditary neoplastic syndrome; Tumor predisposition; Hereditary Cancer Syndrome; Neoplastic Syndromes, Hereditary. Identifiers: Orphanet 140162, MedGen C0027672, MeSH D009386, MONDO:0015356.
PALB2-related cancer predisposition. Identifiers: MedGen CN377761, MONDO:0700272.
Familial cancer of breast. Also called: Hereditary breast cancer; hereditary breast carcinoma; BREAST CANCER, FAMILIAL. Identifiers: Orphanet 227535, MedGen C0346153, MONDO:0016419, OMIM 114480. Disease mechanism: loss of function.

Submissions (5):

Institute for Genomic Medicine (IGM) Clinical Laboratory, Nationwide Children's Hospital
Classification: Likely pathogenic for PALB2-related cancer predisposition. Last evaluated: 2025-04-04. Review status: criteria provided, single submitter. Criteria: ACMG Guidelines, 2015. Collection method: clinical testing. Allele origin: germline.
Comment: This variant is predicted to result in loss of function through nonsense-mediated decay of the encoded transcript or premature truncation of the encoded protein in a gene in which loss of function is a known mechanism of disease (ACMG/AMP: PVS1; PMIDs:24136930, 25099575, 29753700, 31206626, 31841383, 32554798). This variant is absent from or present at an exceedingly low frequency in gnomAD, a large-scale control population database (ACMG/AMP: PM2).

Ambry Genetics
Classification: Pathogenic for Hereditary cancer-predisposing syndrome. Last evaluated: 2024-05-19. Review status: criteria provided, single submitter. Criteria: Ambry Variant Classification Scheme 2023. Collection method: clinical testing. Allele origin: germline.
Comment: The c.2607dupC pathogenic mutation, located in coding exon 7 of the PALB2 gene, results from a duplication of C at nucleotide position 2607, causing a translational frameshift with a predicted alternate stop codon (p.V870Rfs*14). This alteration is expected to result in loss of function by premature protein truncation or nonsense-mediated mRNA decay. As such, this alteration is interpreted as a disease-causing mutation.

Myriad Genetics, Inc.
Classification: Pathogenic for Familial cancer of breast. Last evaluated: 2023-09-13. Review status: criteria provided, single submitter. Criteria: Myriad Autosomal Dominant, Autosomal Recessive and X-Linked Classification Criteria (2023). Collection method: clinical testing. Allele origin: unknown.
Comment: This variant is considered pathogenic. This variant creates a frameshift predicted to result in premature protein truncation.

Labcorp Genetics (formerly Invitae), Labcorp
Classification: Pathogenic for Familial cancer of breast. Last evaluated: 2022-08-10. Review status: criteria provided, single submitter. Criteria: Invitae Variant Classification Sherloc (09022015). Collection method: clinical testing. Allele origin: germline.
Comment: This sequence change creates a premature translational stop signal (p.Val870Argfs*14) in the PALB2 gene. It is expected to result in an absent or disrupted protein product. Loss-of-function variants in PALB2 are known to be pathogenic (PMID: 17200668, 17200671, 17200672, 24136930, 25099575). This variant is not present in population databases (gnomAD no frequency). This variant has not been reported in the literature in individuals affected with PALB2-related conditions. ClinVar contains an entry for this variant (Variation ID: 492193). For these reasons, this variant has been classified as Pathogenic.

Color Diagnostics, LLC DBA Color Health
Classification: Pathogenic for Hereditary cancer-predisposing syndrome. Last evaluated: 2020-01-15. Review status: criteria provided, single submitter. Criteria: ACMG Guidelines, 2015. Collection method: clinical testing. Allele origin: germline.
Comment: This variant inserts 1 nucleotide in exon 7 of the PALB2 gene, creating a frameshift and premature translation stop signal. This variant is expected to result in an absent or non-functional protein product. This variant has not been identified in the general population by the Genome Aggregation Database (gnomAD). Loss of PALB2 function is a known mechanism of disease. Based on the available evidence, this variant is classified as Pathogenic.

Literature cited by the submitters: PubMed 24136930 (cited by Institute for Genomic Medicine (IGM) Clinical Laboratory, Nationwide Children's Hospital and Labcorp Genetics (formerly Invitae), Labcorp); PubMed 25099575 (cited by Institute for Genomic Medicine (IGM) Clinical Laboratory, Nationwide Children's Hospital and Labcorp Genetics (formerly Invitae), Labcorp); PubMed 29753700 (cited by Institute for Genomic Medicine (IGM) Clinical Laboratory, Nationwide Children's Hospital); PubMed 31206626 (cited by Institute for Genomic Medicine (IGM) Clinical Laboratory, Nationwide Children's Hospital); PubMed 31841383 (cited by Institute for Genomic Medicine (IGM) Clinical Laboratory, Nationwide Children's Hospital); PubMed 32554798 (cited by Institute for Genomic Medicine (IGM) Clinical Laboratory, Nationwide Children's Hospital); PubMed 17200668 (cited by Labcorp Genetics (formerly Invitae), Labcorp); PubMed 17200671 (cited by Labcorp Genetics (formerly Invitae), Labcorp); PubMed 17200672 (cited by Labcorp Genetics (formerly Invitae), Labcorp).

NM_024675.4(PALB2):c.2607dup (p.Val870fs)

Gene: PALB2 (partner and localizer of BRCA2; minus strand). Cytogenetic location: 16p12.2.
Variant type: Duplication.
Coding change: c.2607dup on transcript NM_024675.4 (MANE Select); coding-DNA position 2607, one base duplicated (C; older notation c.2607dupC).
Protein change: p.Val870fs; shifts the reading frame from valine 870.
Molecular consequence: frameshift variant.
Genome position (GRCh38, 1-based): chr16:23,626,377, G duplicated on the plus strand (C on the coding strand, the reverse complement: PALB2 is on the minus strand); the first of 2 consecutive G bases (chr16:23,626,377-23,626,378); duplicating either gives the same sequence. VCF-style (leftmost placement, unchanged base first): chr16-23626376-C-CG. GRCh37 (hg19) VCF-style: chr16-23637697-C-CG.
Other names: c.2607dupC (NM_024675.3); short protein forms V870fs.
Identifiers: ClinVar variation 492193 (VCV000492193.13), dbSNP rs767633741, ClinGen allele CA658683918.